The following is an entry in ClinVar:

ClinVar aggregate classification (germline): Pathogenic/Likely pathogenic. Review status: criteria provided, multiple submitters, no conflicts (2 of 4 stars). 3 submissions from 3 submitters: Pathogenic (1); Likely pathogenic (2). Last evaluated 2024-05-07.

Conditions:
ADGRV1-related disorder. Also called: ADGRV1-related condition; ADGRV1-related disorders.

Submissions (3):

GeneDx
Classification: Likely pathogenic. Last evaluated: 2024-05-07. Review status: criteria provided, single submitter. Criteria: GeneDx Variant Classification Process June 2021. Collection method: clinical testing. Allele origin: germline. Affected: yes.
Comment: Reported in association with inherited retinal diseases in published literature (PMID: 31964843); clinical and molecular information are limited; Frameshift variant predicted to result in protein truncation or nonsense mediated decay in a gene for which loss of function is a known mechanism of disease; Not observed at significant frequency in large population cohorts (gnomAD); This variant is associated with the following publications: (PMID: 31964843)

Labcorp Genetics (formerly Invitae), Labcorp
Classification: Pathogenic. Last evaluated: 2023-06-30. Review status: criteria provided, single submitter. Criteria: Invitae Variant Classification Sherloc (09022015). Collection method: clinical testing. Allele origin: germline.
Comment: This sequence change creates a premature translational stop signal (p.Thr2082Serfs*18) in the ADGRV1 gene. It is expected to result in an absent or disrupted protein product. Loss-of-function variants in ADGRV1 are known to be pathogenic (PMID: 19357117, 22135276, 22147658, 26226137, 30718709, 31047384, 32467589). This variant is present in population databases (rs749769237, gnomAD 0.002%). This variant has not been reported in the literature in individuals affected with ADGRV1-related conditions. ClinVar contains an entry for this variant (Variation ID: 1943763). For these reasons, this variant has been classified as Pathogenic.

Blueprint Genetics
Classification: Likely pathogenic for ADGRV1-related disorders. Last evaluated: 2022-05-17. Review status: criteria provided, single submitter. Criteria: ACMG Guidelines, 2015. Collection method: clinical testing. Allele origin: germline. Affected: yes. Observed: 1 variant allele.

Literature cited by the submitters: PubMed 19357117 (cited by Labcorp Genetics (formerly Invitae), Labcorp); PubMed 22135276 (cited by Labcorp Genetics (formerly Invitae), Labcorp); PubMed 22147658 (cited by Labcorp Genetics (formerly Invitae), Labcorp); PubMed 26226137 (cited by Labcorp Genetics (formerly Invitae), Labcorp); PubMed 30718709 (cited by Labcorp Genetics (formerly Invitae), Labcorp); PubMed 31047384 (cited by Labcorp Genetics (formerly Invitae), Labcorp); PubMed 32467589 (cited by Labcorp Genetics (formerly Invitae), Labcorp).

NM_032119.4(ADGRV1):c.6245_6249del (p.Thr2082fs)

Gene: ADGRV1 (adhesion G protein-coupled receptor V1; plus strand). Cytogenetic location: 5q14.3.
Variant type: Deletion.
Coding change: c.6245_6249del on transcript NM_032119.4 (MANE Select); coding-DNA positions 6245 to 6249, 5 bases deleted (CTTTA; older notation c.6245_6249delCTTTA).
Protein change: p.Thr2082fs; shifts the reading frame from threonine 2082.
Molecular consequence: frameshift variant. On other transcripts: non-coding transcript variant (1).
Genome position (GRCh38, 1-based): chr5:90,684,166-90,684,170, CTTTA deleted; deleting any 5 consecutive bases within chr5:90,684,164-90,684,170 gives the same sequence; the c. name uses the placement nearest the transcript's 3' end. VCF-style (leftmost placement, unchanged base first): chr5-90684163-CTACTT-C. GRCh37 (hg19) VCF-style: chr5-89979980-CTACTT-C.
Other names: c.6245_6249del (NM_032119.3); short protein forms T2082fs.
Identifiers: ClinVar variation 1943763 (VCV001943763.8), dbSNP rs749769237, ClinGen allele CA3339730.
Genomic context (GRCh38, chr5:90,684,163, plus strand): 5'-CAATTTTGGATGATGATGAGCCAGAAAGGTCCGAATCTGTCTTTATCGAACTACTCAACT[CTACTT>C]TAGTAGCGAAAGTACAGAGTCGTTCAAGTAAGTATCCCTTAGTGTGTTATTATTATTATT-3'